The following is an entry in ClinVar:

ClinVar aggregate classification (germline): Uncertain significance (1 of 4 stars; one submission).

Submission:

Labcorp Genetics (formerly Invitae), Labcorp
Classification: Uncertain significance. Last evaluated: 2025-01-29. Review status: criteria provided, single submitter. Criteria: Invitae Variant Classification Sherloc (09022015). Collection method: clinical testing. Allele origin: germline.
Comment: This sequence change replaces aspartic acid, which is acidic and polar, with glycine, which is neutral and non-polar, at codon 1736 of the ZDBF2 protein (p.Asp1736Gly). This variant is not present in population databases (gnomAD no frequency). This variant has not been reported in the literature in individuals affected with ZDBF2-related conditions. An algorithm developed to predict the effect of missense changes on protein structure and function (PolyPhen-2) suggests that this variant is likely to be disruptive. In summary, the available evidence is currently insufficient to determine the role of this variant in disease. Therefore, it has been classified as a Variant of Uncertain Significance.

NM_020923.3(ZDBF2):c.5207A>G (p.Asp1736Gly)

Gene: ZDBF2 (zinc finger DBF-type containing 2; plus strand). Cytogenetic location: 2q33.3.
Variant type: single nucleotide variant.
Coding change: c.5207A>G on transcript NM_020923.3 (MANE Select); coding-DNA position 5207, A replaced by G.
Protein change: p.Asp1736Gly; replaces aspartic acid 1736 with glycine.
Molecular consequence: missense variant.
Genome position (GRCh38, 1-based): chr2:206,309,735, A>G. VCF-style: chr2-206309735-A-G. GRCh37 (hg19) VCF-style: chr2-207174459-A-G.
Other names: c.5201A>G, p.Asp1734Gly (NM_001285549.2); c.5207A>G, p.Asp1736Gly (NM_001369654.1); short protein forms D1734G, D1736G.
Identifiers: ClinVar variation 3619432 (VCV003619432.2).